The following is an entry in ClinVar:

NM_000722.4(CACNA2D1):c.1330G>A (p.Val444Ile)

Genes: CACNA2D1 (calcium voltage-gated channel auxiliary subunit alpha2delta 1; minus strand), CACNA2D1-AS1 (CACNA2D1 antisense RNA 1; plus strand). Cytogenetic location: 7q21.11.
Variant type: single nucleotide variant.
Coding change: c.1330G>A on transcript NM_000722.4 (MANE Select); coding-DNA position 1330, G replaced by A.
Protein change: p.Val444Ile; replaces valine 444 with isoleucine.
Molecular consequence: missense variant.
Genome position (GRCh38, 1-based): chr7:82,012,186, C>T on the plus strand (G>A on the coding strand, the complement: CACNA2D1 is on the minus strand). VCF-style: chr7-82012186-C-T. GRCh37 (hg19) VCF-style: chr7-81641502-C-T.
Other names: c.1330G>A, p.Val444Ile (NM_001366867.1); c.1330G>A (NM_000722.2); short protein forms V444I.
Identifiers: ClinVar variation 836988 (VCV000836988.11), dbSNP rs1799865602, ClinGen allele CA367877778.
Genomic context (GRCh38, chr7:82,012,186, plus strand): 5'-TCTTTGACTGAATAGCTCAACCTCTTACCAATGCATCCAGGTACACATTTGTCCATTGGA[C>T]TTGCTTAGCTTTGTCTCCTGCTAAAACCATTGGTCTTCCCAAAACATCCAAATATTCCTG-3'
Protein context (NP_000713.2, residues 434-454): MVLAGDKAKQ[Val444Ile]QWTNVYLDAL

ClinVar aggregate classification (germline): Uncertain significance. Review status: criteria provided, multiple submitters, no conflicts (2 of 4 stars). 3 submissions from 3 submitters: Uncertain significance (3). Last evaluated 2022-08-30.

Conditions:
Cardiovascular phenotype. Identifiers: MedGen CN230736.
Brugada syndrome. Also called: Sudden unexpected nocturnal death syndrome; Sudden Unexplained Death Syndrome; Sudden Unexplained Nocturnal Death Syndrome (SUNDS); Sudden unexplained nocturnal death syndrome. Identifiers: Orphanet 130, MedGen C1142166, MONDO:0015263.

Allele frequency attached by ClinVar (database versions not stated): gnomAD exomes below 0.00001.
gnomAD v4.1: 5 of 1,607,942 alleles (0.00031%); highest among the groups gnomAD compares: South Asian, 0.0011%; no homozygotes.

Submissions (3):

Ambry Genetics
Classification: Uncertain significance for Cardiovascular phenotype. Last evaluated: 2022-08-30. Review status: criteria provided, single submitter. Criteria: Ambry Variant Classification Scheme 2023. Collection method: clinical testing. Allele origin: germline.

Labcorp Genetics (formerly Invitae), Labcorp
Classification: Uncertain significance for Brugada syndrome. Last evaluated: 2019-02-05. Review status: criteria provided, single submitter. Criteria: Invitae Variant Classification Sherloc (09022015). Collection method: clinical testing. Allele origin: germline.
Comment: This variant is not present in population databases (ExAC no frequency). In summary, the available evidence is currently insufficient to determine the role of this variant in disease. Therefore, it has been classified as a Variant of Uncertain Significance. Algorithms developed to predict the effect of missense changes on protein structure and function are either unavailable or do not agree on the potential impact of this missense change (SIFT: "Tolerated"; PolyPhen-2: "Probably Damaging"; Align-GVGD: "Class C0"). This variant has not been reported in the literature in individuals with CACNA2D1-related conditions. This sequence change replaces valine with isoleucine at codon 444 of the CACNA2D1 protein (p.Val444Ile). The valine residue is highly conserved and there is a small physicochemical difference between valine and isoleucine.

Breakthrough Genomics
Classification: Uncertain significance. Review status: criteria provided, single submitter. Criteria: ACMG Guidelines, 2015. Collection method: not provided. Allele origin: germline. Inheritance: Autosomal recessive inheritance. Affected: yes.